The following is an entry in ClinVar:

ClinVar aggregate classification (germline): Conflicting classifications of pathogenicity. Review status: criteria provided, conflicting classifications (1 of 4 stars). 4 submissions from 4 submitters: Uncertain significance (3); Likely benign (1). Last evaluated 2023-08-18.

Conditions:
Long QT syndrome (LQTS). Identifiers: MedGen C0023976, MeSH D008133, MONDO:0002442. Disease mechanism: loss of function. Inheritance: Various modes of inheritance.
Cardiovascular phenotype. Identifiers: MedGen CN230736.
Long QT syndrome 11 (LQT11). Identifiers: Orphanet 101016, Orphanet 768, MedGen C2678483, MONDO:0012738, OMIM 611820.

Allele frequency attached by ClinVar (database versions not stated): ExAC 0.00008; gnomAD 0.00009; TOPMed 0.00009; gnomAD exomes 0.00012 and 0.00020; ESP Exome Variant Server 0.00023.
gnomAD v4.1: 295 of 1,613,670 alleles (0.018%); highest among the groups gnomAD compares: Non-Finnish European, 0.024%; no homozygotes.

Submissions (4):

Ambry Genetics
Classification: Likely benign for Cardiovascular phenotype. Last evaluated: 2023-08-18. Review status: criteria provided, single submitter. Criteria: Ambry Variant Classification Scheme 2023. Collection method: clinical testing. Allele origin: germline.

Labcorp Genetics (formerly Invitae), Labcorp
Classification: Uncertain significance for Long QT syndrome. Last evaluated: 2022-12-10. Review status: criteria provided, single submitter. Criteria: Invitae Variant Classification Sherloc (09022015). Collection method: clinical testing. Allele origin: germline.
Comment: In summary, the available evidence is currently insufficient to determine the role of this variant in disease. Therefore, it has been classified as a Variant of Uncertain Significance. Algorithms developed to predict the effect of missense changes on protein structure and function are either unavailable or do not agree on the potential impact of this missense change (SIFT: "Deleterious"; PolyPhen-2: "Benign"; Align-GVGD: "Class C0"). ClinVar contains an entry for this variant (Variation ID: 360836). This variant has not been reported in the literature in individuals affected with AKAP9-related conditions. This variant is present in population databases (rs147841245, gnomAD 0.02%). This sequence change replaces glutamic acid, which is acidic and polar, with glycine, which is neutral and non-polar, at codon 2299 of the AKAP9 protein (p.Glu2299Gly).

Fulgent Genetics
Classification: Uncertain significance for Long QT syndrome 11. Last evaluated: 2021-08-03. Review status: criteria provided, single submitter. Criteria: ACMG Guidelines, 2015. Collection method: clinical testing. Allele origin: unknown.

ARUP Laboratories, Molecular Genetics and Genomics, ARUP Laboratories
Classification: Uncertain significance for Long QT syndrome 11. Last evaluated: 2020-05-05. Review status: criteria provided, single submitter. Criteria: ARUP Molecular Germline Variant Investigation Process. Collection method: clinical testing. Allele origin: germline.
Comment: The p.Glu2299Gly variant (rs147841245) has not been reported in the medical literature nor has it been previously identified in our laboratory; however, it is listed in the ClinVar database as a variant of uncertain significance (Variation ID: 360836). It is listed in the Genome Aggregation Database (gnomAD) browser with a frequency in non-Finnish Europeans of 0.021% (identified in 27 out of 126,200 chromosomes). The glutamic acid at codon 2299 is highly conserved considering 11 species up to Cow (Alamut software v2.9), although computational analyses return mixed results regarding the effect of this variant on AKAP9 protein structure/function (SIFT: damaging, PolyPhen2: benign, and Mutation Taster: disease causing). Therefore, based on the available information, the clinical significance of the p.Glu2299Gly variant cannot be determined with certainty.

NM_005751.5(AKAP9):c.6896A>G (p.Glu2299Gly)

Gene: AKAP9 (A-kinase anchoring protein 9; plus strand). Cytogenetic location: 7q21.2.
Variant type: single nucleotide variant.
Coding change: c.6896A>G on transcript NM_005751.5 (MANE Select); coding-DNA position 6896, A replaced by G.
Protein change: p.Glu2299Gly; replaces glutamic acid 2299 with glycine.
Molecular consequence: missense variant.
Genome position (GRCh38, 1-based): chr7:92,077,826, A>G. VCF-style: chr7-92077826-A-G. GRCh37 (hg19) VCF-style: chr7-91707140-A-G.
Other names: c.1541A>G, p.Glu514Gly (NM_001379277.1); c.6872A>G, p.Glu2291Gly (NM_147185.3); short protein forms E2299G, E2291G, E514G.
Identifiers: ClinVar variation 360836 (VCV000360836.25), dbSNP rs147841245, ClinGen allele CA4337185.